The following is an entry in ClinVar:

ClinVar aggregate classification (germline): Uncertain significance. Review status: criteria provided, multiple submitters, no conflicts (2 of 4 stars). 2 submissions from 2 submitters: Uncertain significance (2). Last evaluated 2024-11-06.

Conditions:
Hereditary cancer-predisposing syndrome. Also called: Neoplastic Syndromes, Hereditary; Tumor predisposition; Hereditary Cancer Syndrome; Hereditary neoplastic syndrome. Identifiers: Orphanet 140162, MedGen C0027672, MeSH D009386, MONDO:0015356.
Cardiovascular phenotype. Identifiers: MedGen CN230736.

Allele frequency attached by ClinVar (database versions not stated): gnomAD exomes below 0.00001; TOPMed below 0.00001.

Submissions (2):

Labcorp Genetics (formerly Invitae), Labcorp
Classification: Uncertain significance. Last evaluated: 2024-11-06. Review status: criteria provided, single submitter. Criteria: Invitae Variant Classification Sherloc (09022015). Collection method: clinical testing. Allele origin: germline.
Comment: This sequence change replaces leucine, which is neutral and non-polar, with proline, which is neutral and non-polar, at codon 624 of the LZTR1 protein (p.Leu624Pro). This variant is not present in population databases (gnomAD no frequency). This variant has not been reported in the literature in individuals affected with LZTR1-related conditions. ClinVar contains an entry for this variant (Variation ID: 1781702). Invitae Evidence Modeling of protein sequence and biophysical properties (such as structural, functional, and spatial information, amino acid conservation, physicochemical variation, residue mobility, and thermodynamic stability) indicates that this missense variant is not expected to disrupt LZTR1 protein function with a negative predictive value of 80%. In summary, the available evidence is currently insufficient to determine the role of this variant in disease. Therefore, it has been classified as a Variant of Uncertain Significance.

Ambry Genetics
Classification: Uncertain significance for Cardiovascular phenotype; Hereditary cancer-predisposing syndrome. Last evaluated: 2022-02-24. Review status: criteria provided, single submitter. Criteria: Ambry Variant Classification Scheme 2023. Collection method: clinical testing. Allele origin: germline.
Comment: The p.L624P variant (also known as c.1871T>C), located in coding exon 16 of the LZTR1 gene, results from a T to C substitution at nucleotide position 1871. The leucine at codon 624 is replaced by proline, an amino acid with similar properties. This amino acid position is conserved. In addition, this alteration is predicted to be deleterious by in silico analysis. Since supporting evidence is limited at this time, the clinical significance of this alteration remains unclear.

NM_006767.4(LZTR1):c.1871T>C (p.Leu624Pro)

Gene: LZTR1 (leucine zipper like post translational regulator 1; plus strand). Cytogenetic location: 22q11.21.
Variant type: single nucleotide variant.
Coding change: c.1871T>C on transcript NM_006767.4 (MANE Select); coding-DNA position 1871, T replaced by C.
Protein change: p.Leu624Pro; replaces leucine 624 with proline.
Molecular consequence: missense variant.
Genome position (GRCh38, 1-based): chr22:20,994,955, T>C. VCF-style: chr22-20994955-T-C. GRCh37 (hg19) VCF-style: chr22-21349244-T-C.
Other names: short protein forms L624P.
Identifiers: ClinVar variation 1781702 (VCV001781702.4), dbSNP rs1173556784, ClinGen allele CA410778636.